The following is an entry in ClinVar:

ClinVar aggregate classification (germline): Likely pathogenic (1 of 4 stars; one submission).

Conditions:
Acrofacial dysostosis Cincinnati type. Identifiers: Orphanet 1200, MedGen C4225317, MONDO:0014651, OMIM 616462.

Submission:

Victorian Clinical Genetics Services, Murdoch Childrens Research Institute
Classification: Likely pathogenic for Acrofacial dysostosis Cincinnati type. Last evaluated: 2022-02-02. Review status: criteria provided, single submitter. Criteria: ACMG Guidelines, 2015. Collection method: clinical testing. Allele origin: germline. Inheritance: Autosomal dominant inheritance. Affected: yes.
Comment: Based on the classification scheme VCGS_Germline_v1.3.4, this variant is classified as Likely pathogenic. Following criteria are met: 0102 - Loss of function is a suggested mechanism of disease in this gene and is associated with Cincinnati type acrofacial dysostosis (MIM#616462). While NMD-predicted variants have been reported, only homozygous functional models have been investigated. Loss of POLR1A in zebrafish recapitulates the craniofacial phenotype and staining of fibroblasts from homozygous siblings showed markedly reduced protein expression (PMID: 25913037, 28051070). (I) 0107 - This gene is associated with autosomal dominant disease. (I) 0115 - Variants in this gene are known to have variable expressivity. A single case of a variant inherited from a mildly affected father has been reported (PMID: 25913037). (I) 0201 - Variant is predicted to cause nonsense-mediated decay (NMD) and loss of protein (premature termination codon is located at least 54 nucleotides upstream of the final exon-exon junction). (SP) 0251 - This variant is heterozygous. (I) 0301 - Variant is absent from gnomAD (both v2 and v3). (SP) 0703 - Other NMD-predicted variants comparable to the one identified in this case have moderate previous evidence for pathogenicity. Reports of these include de novo reports and inheritance from a mildly affected father (DECIPHER, ClinVar; PMID: 25913037). (SP) 0807 - This variant has no previous evidence of pathogenicity. (I) 0905 - No published segregation evidence has been identified for this variant. (I) 1007 - No published functional evidence has been identified for this variant. (I) 1102 - Strong phenotype match for this individual. (SP) Legend: (SP) - Supporting pathogenic, (I) - Information, (SB) - Supporting benign

Literature cited by the submitters: PubMed 25913037; PubMed 28051070.

NM_015425.6(POLR1A):c.190del (p.Cys64fs)

Gene: POLR1A (RNA polymerase I subunit A; minus strand). Cytogenetic location: 2p11.2.
Variant type: Deletion.
Coding change: c.190del on transcript NM_015425.6 (MANE Select); coding-DNA position 190, one base deleted (T; older notation c.190delT).
Protein change: p.Cys64fs; shifts the reading frame from cysteine 64.
Molecular consequence: frameshift variant.
Genome position (GRCh38, 1-based): chr2:86,100,060, A deleted on the plus strand (T on the coding strand, the reverse complement: POLR1A is on the minus strand). VCF-style (leftmost placement, unchanged base first): chr2-86100059-CA-C. GRCh37 (hg19) VCF-style: chr2-86327182-CA-C.
Other names: short protein forms C64fs.
Identifiers: ClinVar variation 2500796 (VCV002500796.2), dbSNP rs2466502156, ClinGen allele CA1139771265.
Genomic context (GRCh38, chr2:86,100,059, plus strand): 5'-GGGAGCTCAATGTGGCCCAGGTGCCCAGAACAGTTGCTGAAGTCCTGCACGCAGGTGGAG[CA>C]CACCTCTTTGGAATCTGCAGGGCCCAAAGCTAAATCGTACAGGCCGTTTGCCGATGGGTT-3'